The following is an entry in ClinVar:

ClinVar aggregate classification (germline): Likely pathogenic (1 of 4 stars; one submission).

Submission:

Labcorp Genetics (formerly Invitae), Labcorp
Classification: Likely pathogenic. Last evaluated: 2024-07-17. Review status: criteria provided, single submitter. Criteria: Invitae Variant Classification Sherloc (09022015). Collection method: clinical testing. Allele origin: germline.
Comment: This sequence change replaces arginine, which is basic and polar, with tryptophan, which is neutral and slightly polar, at codon 358 of the LONP1 protein (p.Arg358Trp). This variant is not present in population databases (gnomAD no frequency). This missense change has been observed in individual(s) with congenital diaphragmatic hernia (PMID: 32719394). In at least one individual the variant was observed to be de novo. Advanced modeling of protein sequence and biophysical properties (such as structural, functional, and spatial information, amino acid conservation, physicochemical variation, residue mobility, and thermodynamic stability) performed at Invitae indicates that this missense variant is expected to disrupt LONP1 protein function with a positive predictive value of 80%. In summary, the currently available evidence indicates that the variant is pathogenic, but additional data are needed to prove that conclusively. Therefore, this variant has been classified as Likely Pathogenic.

Literature cited by the submitters: PubMed 32719394.

NM_004793.4(LONP1):c.1072C>T (p.Arg358Trp)

Gene: LONP1 (lon peptidase 1, mitochondrial; minus strand). Cytogenetic location: 19p13.3.
Variant type: single nucleotide variant.
Coding change: c.1072C>T on transcript NM_004793.4 (MANE Select); coding-DNA position 1072, C replaced by T.
Protein change: p.Arg358Trp; replaces arginine 358 with tryptophan.
Molecular consequence: missense variant. On other transcripts: non-coding transcript variant (1).
Genome position (GRCh38, 1-based): chr19:5,707,134, G>A on the plus strand (C>T on the coding strand, the complement: LONP1 is on the minus strand). VCF-style: chr19-5707134-G-A. GRCh37 (hg19) VCF-style: chr19-5707145-G-A.
Other names: c.880C>T, p.Arg294Trp (NM_001276479.2); c.484C>T, p.Arg162Trp (NM_001276480.1); short protein forms R162W, R294W, R358W.
Identifiers: ClinVar variation 3677172 (VCV003677172.2).